The following is an entry in ClinVar:

ClinVar aggregate classification (germline): Uncertain significance (1 of 4 stars; one submission).

gnomAD v4.1: 1 of 1,613,648 alleles (0.000062%); highest among the groups gnomAD compares: African/African-American, 0.0013%; no homozygotes.

Submission:

GeneDx
Classification: Uncertain significance. Last evaluated: 2024-05-06. Review status: criteria provided, single submitter. Criteria: GeneDx Variant Classification Process June 2021. Collection method: clinical testing. Allele origin: germline. Affected: yes.
Comment: Not observed at significant frequency in large population cohorts (gnomAD); In silico analysis supports that this missense variant has a deleterious effect on protein structure/function; Has not been previously published as pathogenic or benign to our knowledge

NM_001270974.2(HYDIN):c.13432A>G (p.Thr4478Ala)

Gene: HYDIN (HYDIN axonemal central pair apparatus protein; minus strand). Cytogenetic location: 16q22.2.
Variant type: single nucleotide variant.
Coding change: c.13432A>G on transcript NM_001270974.2 (MANE Select); coding-DNA position 13432, A replaced by G.
Protein change: p.Thr4478Ala; replaces threonine 4478 with alanine.
Molecular consequence: missense variant.
Genome position (GRCh38, 1-based): chr16:70,834,134, T>C on the plus strand (A>G on the coding strand, the complement: HYDIN is on the minus strand). VCF-style: chr16-70834134-T-C. GRCh37 (hg19) VCF-style: chr16-70868037-T-C.
Other names: short protein forms T4478A.
Identifiers: ClinVar variation 3375858 (VCV003375858.1).